The following is an entry in ClinVar:

ClinVar aggregate classification (germline): Uncertain significance (1 of 4 stars; one submission).

Submission:

GeneDx
Classification: Uncertain significance. Last evaluated: 2022-12-19. Review status: criteria provided, single submitter. Criteria: GeneDx Variant Classification Process June 2021. Collection method: clinical testing. Allele origin: germline. Affected: yes.
Comment: Not observed at significant frequency in large population cohorts (gnomAD); In silico analysis supports that this missense variant does not alter protein structure/function; Occurs in the triple helical domain at the X position in the canonical Gly-X-Y repeat; although this variant may have an effect on normal protein folding and function, missense substitution at the X position is not a common mechanism of disease (HGMD); Has not been previously published as pathogenic or benign to our knowledge

NM_001844.5(COL2A1):c.2080C>T (p.Leu694Phe)

Gene: COL2A1 (collagen type II alpha 1 chain; minus strand). Cytogenetic location: 12q13.11.
Variant type: single nucleotide variant.
Coding change: c.2080C>T on transcript NM_001844.5 (MANE Select); coding-DNA position 2080, C replaced by T.
Protein change: p.Leu694Phe; replaces leucine 694 with phenylalanine.
Molecular consequence: missense variant.
Genome position (GRCh38, 1-based): chr12:47,983,107, G>A on the plus strand (C>T on the coding strand, the complement: COL2A1 is on the minus strand). VCF-style: chr12-47983107-G-A. GRCh37 (hg19) VCF-style: chr12-48376890-G-A.
Other names: c.1873C>T, p.Leu625Phe (NM_033150.3); short protein forms L625F, L694F.
Identifiers: ClinVar variation 2505617 (VCV002505617.1), dbSNP rs2540137004, ClinGen allele CA384547471.